The following is an entry in ClinVar:

ClinVar aggregate classification (germline): Uncertain significance (1 of 4 stars; one submission).

Conditions:
Cardiovascular phenotype. Identifiers: MedGen CN230736.

Allele frequency attached by ClinVar (database versions not stated): TOPMed below 0.00001; gnomAD exomes 0.00001.
gnomAD v4.1: 4 of 1,614,224 alleles (0.00025%); highest among the groups gnomAD compares: Non-Finnish European, 0.00034%; no homozygotes.

Submission:

Ambry Genetics
Classification: Uncertain significance for Cardiovascular phenotype. Last evaluated: 2023-08-23. Review status: criteria provided, single submitter. Criteria: Ambry Variant Classification Scheme 2023. Collection method: clinical testing. Allele origin: germline.
Comment: The p.N586T variant (also known as c.1757A>C), located in coding exon 13 of the APOB gene, results from an A to C substitution at nucleotide position 1757. The asparagine at codon 586 is replaced by threonine, an amino acid with similar properties. This amino acid position is not well conserved in available vertebrate species. In addition, this alteration is predicted to be tolerated by in silico analysis. Since supporting evidence is limited at this time, the clinical significance of this alteration remains unclear.

NM_000384.3(APOB):c.1757A>C (p.Asn586Thr)

Gene: APOB (apolipoprotein B; minus strand). Cytogenetic location: 2p24.1.
Variant type: single nucleotide variant.
Coding change: c.1757A>C on transcript NM_000384.3 (MANE Select); coding-DNA position 1757, A replaced by C.
Protein change: p.Asn586Thr; replaces asparagine 586 with threonine.
Molecular consequence: missense variant.
Genome position (GRCh38, 1-based): chr2:21,028,399, T>G on the plus strand (A>C on the coding strand, the complement: APOB is on the minus strand). VCF-style: chr2-21028399-T-G. GRCh37 (hg19) VCF-style: chr2-21251271-T-G.
Other names: short protein forms N586T.
Identifiers: ClinVar variation 2586192 (VCV002586192.2), dbSNP rs1304111145, ClinGen allele CA346014477.